The following is an entry in ClinVar:

NM_001718.6(BMP6):c.83G>A (p.Arg28Gln)

Gene: BMP6 (bone morphogenetic protein 6; plus strand). Cytogenetic location: 6p24.3.
Variant type: single nucleotide variant.
Coding change: c.83G>A on transcript NM_001718.6 (MANE Select); coding-DNA position 83, G replaced by A.
Protein change: p.Arg28Gln; replaces arginine 28 with glutamine.
Molecular consequence: missense variant.
Genome position (GRCh38, 1-based): chr6:7,727,038, G>A. VCF-style: chr6-7727038-G-A. GRCh37 (hg19) VCF-style: chr6-7727271-G-A.
Other names: short protein forms R28Q.
Identifiers: ClinVar variation 3058879 (VCV003058879.2), dbSNP rs111588693, ClinGen allele CA3628453.

ClinVar aggregate classification (germline): Benign (0 of 4 stars; one submission).

Conditions:
BMP6-related disorder. Also called: BMP6-related condition.

Allele frequency attached by ClinVar (database versions not stated): 1000 Genomes Project 30x 0.33448; 1000 Genomes Project 0.33986; TOPMed 0.34685; gnomAD exomes 0.46250; ExAC 0.62500.
gnomAD v4.1: 510,068 of 1,134,860 alleles (45%); highest among the groups gnomAD compares: South Asian, 54%; 117,458 homozygotes.

Submission:

PreventionGenetics, part of Exact Sciences
Classification: Benign for BMP6-related condition. Last evaluated: 2020-01-02. Review status: no assertion criteria provided. Collection method: clinical testing. Allele origin: germline.
Comment: This variant is classified as benign based on ACMG/AMP sequence variant interpretation guidelines (Richards et al. 2015 PMID: 25741868, with internal and published modifications).